The following is an entry in ClinVar:

ClinVar aggregate classification (germline): Uncertain significance. Review status: criteria provided, multiple submitters, no conflicts (2 of 4 stars). 4 submissions from 4 submitters: Uncertain significance (4). Last evaluated 2024-03-11.

Conditions:
Catecholaminergic polymorphic ventricular tachycardia 1. Also called: RYR2-Related Catecholaminergic Polymorphic Ventricular Tachycardia; VENTRICULAR TACHYCARDIA, CATECHOLAMINERGIC POLYMORPHIC, 1, WITH OR WITHOUT ATRIAL DYSFUNCTION AND/OR DILATED CARDIOMYOPATHY; VENTRICULAR TACHYCARDIA, STRESS-INDUCED POLYMORPHIC 1. Identifiers: Orphanet 3286, MedGen C1631597, MONDO:0011484, OMIM 604772.
Cardiomyopathy (CMYO). Also called: Cardiomyopathies. Identifiers: Orphanet 167848, MedGen C0878544, MONDO:0004994, HP:0001638. Inheritance: Various modes of inheritance.
Catecholaminergic polymorphic ventricular tachycardia (CVPT). Also called: Catecholamine-induced polymorphic ventricular tachycardia. Identifiers: Orphanet 3286, MedGen C5574922, MONDO:0017990.

Allele frequency attached by ClinVar (database versions not stated): gnomAD exomes below 0.00001 and 0.00003; TOPMed below 0.00001; gnomAD 0.00001; ExAC 0.00003; 1000 Genomes Project 30x 0.00016; 1000 Genomes Project 0.00020.
gnomAD v4.1: 39 of 1,556,850 alleles (0.0025%); highest among the groups gnomAD compares: Non-Finnish European, 0.0033%; no homozygotes.

Submissions (4):

Color Diagnostics, LLC DBA Color Health
Classification: Uncertain significance for Cardiomyopathy. Last evaluated: 2024-03-11. Review status: criteria provided, single submitter. Criteria: ACMG Guidelines, 2015. Collection method: clinical testing. Allele origin: germline.
Comment: This missense variant replaces glutamic acid with lysine at codon 3292 of the RYR2 protein. Computational prediction is inconclusive regarding the impact of this variant on protein structure and function (internally defined REVEL score threshold 0.5 < inconclusive < 0.7, PMID: 27666373). To our knowledge, functional studies have not been reported for this variant. This variant has not been reported in individuals affected with RYR2-related disorders in the literature. This variant has been identified in 2/254716 chromosomes in the general population by the Genome Aggregation Database (gnomAD). The available evidence is insufficient to determine the role of this variant in disease conclusively. Therefore, this variant is classified as a Variant of Uncertain Significance.

All of Us Research Program, National Institutes of Health
Classification: Uncertain significance for Catecholaminergic polymorphic ventricular tachycardia. Last evaluated: 2023-06-28. Review status: criteria provided, single submitter. Criteria: ACMG Guidelines, 2015. Collection method: clinical testing. Allele origin: germline. Inheritance: Autosomal dominant inheritance. Observed: 3 variant alleles, 3 heterozygotes.
Comment: This study involves interpretation of variants in research participants for the purpose of population health screening. Participant phenotype was not available at the time of variant classification. Additional details can be found in publication PMID: 35346344, PMCID: PMC8962531

Labcorp Genetics (formerly Invitae), Labcorp
Classification: Uncertain significance for Catecholaminergic polymorphic ventricular tachycardia 1. Last evaluated: 2021-09-01. Review status: criteria provided, single submitter. Criteria: Invitae Variant Classification Sherloc (09022015). Collection method: clinical testing. Allele origin: germline.
Comment: This sequence change replaces glutamic acid with lysine at codon 3292 of the RYR2 protein (p.Glu3292Lys). The glutamic acid residue is highly conserved and there is a small physicochemical difference between glutamic acid and lysine. This variant is present in population databases (rs553445235, ExAC 0.01%). This variant has not been reported in the literature in individuals affected with RYR2-related conditions. ClinVar contains an entry for this variant (Variation ID: 632973). Algorithms developed to predict the effect of missense changes on protein structure and function are either unavailable or do not agree on the potential impact of this missense change (SIFT: "Deleterious"; PolyPhen-2: "Benign"; Align-GVGD: "Class C55"). In summary, the available evidence is currently insufficient to determine the role of this variant in disease. Therefore, it has been classified as a Variant of Uncertain Significance.

Women's Health and Genetics/Laboratory Corporation of America, LabCorp
Classification: Uncertain significance. Last evaluated: 2018-04-09. Review status: criteria provided, single submitter. Criteria: LabCorp Variant Classification Summary - May 2015. Collection method: clinical testing. Allele origin: germline.
Comment: Variant summary: RYR2 c.9874G>A (p.Glu3292Lys) results in a conservative amino acid change in the encoded protein sequence. Three of five in-silico tools predict a benign effect of the variant on protein function. The variant allele was found at a frequency of 2/67454 control chromosomes in the ExAC database. The observed variant frequency is approximately 1.19 fold above the estimated maximal expected allele frequency for a pathogenic variant in RYR2 causing Cardiomyopathy phenotype (2.5e-05); however, with so few occurrences in the general population, this data must be interpreted with caution. To our knowledge, no occurrence of c.9874G>A in individuals affected with Cardiomyopathy and no experimental evidence demonstrating its impact on protein function have been reported. No clinical diagnostic laboratories have submitted clinical-significance assessments for this variant to ClinVar after 2014. Based on the evidence outlined above, the variant was classified as uncertain significance until additional information becomes available.

NM_001035.3(RYR2):c.9874G>A (p.Glu3292Lys)

Gene: RYR2 (ryanodine receptor 2; plus strand). Cytogenetic location: 1q43.
Variant type: single nucleotide variant.
Coding change: c.9874G>A on transcript NM_001035.3 (MANE Select); coding-DNA position 9874, G replaced by A.
Protein change: p.Glu3292Lys; replaces glutamic acid 3292 with lysine.
Molecular consequence: missense variant.
Genome position (GRCh38, 1-based): chr1:237,707,242, G>A. VCF-style: chr1-237707242-G-A. GRCh37 (hg19) VCF-style: chr1-237870542-G-A.
Other names: c.9874G>A, p.Glu3292Lys (LRG_402t1); short protein forms E3292K.
Identifiers: ClinVar variation 632973 (VCV000632973.10), dbSNP rs553445235, ClinGen allele CA087966.